The following is an entry in ClinVar:

ClinVar aggregate classification (germline): Benign. Review status: criteria provided, multiple submitters, no conflicts (2 of 4 stars). 10 submissions from 10 submitters: Benign (7). 3 of the submissions do not count toward it. Last evaluated 2026-09-16.

Conditions:
Myeloproliferative neoplasm. Identifiers: Orphanet 98274, MedGen C1292778, MONDO:0020076.
Bohring-Opitz syndrome. Also called: ASXL1-Related Bohring-Opitz Syndrome; C-LIKE SYNDROME; BOHRING SYNDROME; OPITZ TRIGONOCEPHALY-LIKE SYNDROME. Identifiers: Orphanet 97297, MedGen C0796232, MONDO:0011510, OMIM 605039.

Allele frequency attached by ClinVar (database versions not stated): gnomAD exomes 0.00643 and 0.01913; TOPMed 0.01183; ExAC 0.01886; ESP Exome Variant Server 0.00204; gnomAD 0.00747 and 0.00875; 1000 Genomes Project 30x 0.01562; 1000 Genomes Project 0.01717.
gnomAD v4.1: 10,765 of 1,602,238 alleles (0.67%); highest among the groups gnomAD compares: East Asian, 9.1%; 401 homozygotes.

Submissions (10):

Dept of Medical Biology, Uskudar University
Classification: Benign for Myeloproliferative neoplasm. Last evaluated: 2026-09-16. Review status: criteria provided, single submitter. Criteria: Dept of Medical Biology Variant Classification. Collection method: research. Allele origin: germline. Affected: yes. Observed: 13 variant alleles.
Comment: BA1: allele frequency 9.4e-02 in the East Asian population and 6.5e-03 overall in gnomAD v4.1, above the stand-alone benign threshold. BP4: computational evidence suggests no impact (SIFT 0.26 tolerated; PolyPhen-2 0.046 benign). BP6: classified as benign in ClinVar by other submitters (VCV000133592). Detected in 13 patients. Classified as benign under the ACMG/AMP 2015 guidelines (PMID:25741868). Detected in a retrospective series of 256 BCR::ABL1-negative and JAK2 V617F-negative patients referred for molecular investigation of a suspected myeloproliferative neoplasm (May 2007 to January 2015) and re-interpreted under the ACMG/AMP 2015 criteria.

Labcorp Genetics (formerly Invitae), Labcorp
Classification: Benign. Last evaluated: 2026-02-03. Review status: criteria provided, single submitter. Criteria: Invitae Variant Classification Sherloc (09022015). Collection method: clinical testing. Allele origin: germline.

Blueprint Genetics
Classification: Benign. Last evaluated: 2024-11-21. Review status: criteria provided, single submitter. Criteria: ACMG Guidelines, 2015. Collection method: clinical testing. Allele origin: germline.

Genome-Nilou Lab
Classification: Benign for Bohring-Opitz syndrome. Last evaluated: 2021-12-05. Review status: criteria provided, single submitter. Criteria: ACMG Guidelines, 2015. Collection method: clinical testing. Allele origin: germline. Affected: no.

GeneDx
Classification: Benign. Last evaluated: 2018-07-31. Review status: criteria provided, single submitter. Criteria: GeneDx Variant Classification Process June 2021. Collection method: clinical testing. Allele origin: germline. Affected: yes.

Eurofins Ntd Llc (ga)
Classification: Benign. Last evaluated: 2015-10-06. Review status: criteria provided, single submitter. Criteria: EGL Classification Definitions 2015. Collection method: clinical testing. Allele origin: germline. Observed: 1 variant allele, 1 heterozygote.

Breakthrough Genomics
Classification: Benign. Review status: criteria provided, single submitter. Criteria: ACMG Guidelines, 2015. Collection method: not provided. Allele origin: germline. Inheritance: Autosomal dominant inheritance. Affected: yes.

ITMI
No classification provided. Condition: AllHighlyPenetrant. Last evaluated: 2013-09-19. Review status: no classification provided. Collection method: reference population. Allele origin: germline. Not counted in ClinVar's aggregate classification.
Comment: Please see associated publication for description of ethnicities

Clinical Genetics DNA and cytogenetics Diagnostics Lab, Erasmus MC, Erasmus Medical Center
Classification: Likely benign. Review status: no assertion criteria provided. Collection method: clinical testing. Allele origin: germline. Affected: yes. Study: VKGL Data-share Consensus. Not counted in ClinVar's aggregate classification.

Joint Genome Diagnostic Labs from Nijmegen and Maastricht, Radboudumc and MUMC+
Classification: Benign. Review status: no assertion criteria provided. Collection method: clinical testing. Allele origin: germline. Affected: yes. Study: VKGL Data-share Consensus. Not counted in ClinVar's aggregate classification.

Literature cited by the submitters: PubMed 24728327 (cited by ITMI).

NM_015338.6(ASXL1):c.1954G>A (p.Gly652Ser)

Gene: ASXL1 (ASXL transcriptional regulator 1; plus strand). Cytogenetic location: 20q11.21.
Variant type: single nucleotide variant.
Coding change: c.1954G>A on transcript NM_015338.6 (MANE Select); coding-DNA position 1954, G replaced by A.
Protein change: p.Gly652Ser; replaces glycine 652 with serine.
Molecular consequence: missense variant.
Genome position (GRCh38, 1-based): chr20:32,434,666, G>A. VCF-style: chr20-32434666-G-A. GRCh37 (hg19) VCF-style: chr20-31022469-G-A.
Other names: c.1771G>A, p.Gly591Ser (NM_001363734.1); short protein forms G652S, G591S.
Identifiers: ClinVar variation 133592 (VCV000133592.21), dbSNP rs3746609, ClinGen allele CA157029.